The following is an entry in ClinVar:

ClinVar aggregate classification (germline): Uncertain significance (1 of 4 stars; one submission).

Conditions:
Common variable immunodeficiency (CVID). Also called: Common variable hypogamma-globulinemia; Common variable agammaglobulinemia. Identifiers: Orphanet 1572, MedGen C0009447, MONDO:0015517.

Allele frequency attached by ClinVar (database versions not stated): gnomAD exomes below 0.00001.

Submission:

Labcorp Genetics (formerly Invitae), Labcorp
Classification: Uncertain significance for Common variable immunodeficiency. Last evaluated: 2022-08-15. Review status: criteria provided, single submitter. Criteria: Invitae Variant Classification Sherloc (09022015). Collection method: clinical testing. Allele origin: germline.
Comment: In summary, the available evidence is currently insufficient to determine the role of this variant in disease. Therefore, it has been classified as a Variant of Uncertain Significance. Algorithms developed to predict the effect of missense changes on protein structure and function are either unavailable or do not agree on the potential impact of this missense change (SIFT: "Tolerated"; PolyPhen-2: "Possibly Damaging"; Align-GVGD: "Class C0"). ClinVar contains an entry for this variant (Variation ID: 1016050). This variant has not been reported in the literature in individuals affected with TNFSF12-related conditions. This variant is not present in population databases (gnomAD no frequency). This sequence change replaces glutamine, which is neutral and polar, with histidine, which is basic and polar, at codon 74 of the TNFSF12 protein (p.Gln74His).

NM_003809.3(TNFSF12):c.222G>C (p.Gln74His)

Genes: TNFSF12 (TNF superfamily member 12; plus strand), TNFSF12-TNFSF13 (TNFSF12-TNFSF13 readthrough; plus strand). Cytogenetic location: 17p13.1.
Variant type: single nucleotide variant.
Coding change: c.222G>C on transcript NM_003809.3 (MANE Select); coding-DNA position 222, G replaced by C.
Protein change: p.Gln74His; replaces glutamine 74 with histidine.
Molecular consequence: missense variant. On other transcripts: non-coding transcript variant (1).
Genome position (GRCh38, 1-based): chr17:7,550,134, G>C. VCF-style: chr17-7550134-G-C. GRCh37 (hg19) VCF-style: chr17-7453451-G-C.
Other names: c.222G>C, p.Gln74His (NM_172089.4); short protein forms Q74H.
Identifiers: ClinVar variation 1016050 (VCV001016050.7), dbSNP rs2070984006, ClinGen allele CA397855997.